The following is an entry in ClinVar:

ClinVar aggregate classification (germline): Uncertain significance (1 of 4 stars; one submission).

Conditions:
Growth hormone insensitivity with immune dysregulation 1, autosomal recessive. Also called: GROWTH HORMONE INSENSITIVITY DUE TO POSTRECEPTOR DEFECT; Laron syndrome with immunodeficiency; GROWTH HORMONE INSENSITIVITY SYNDROME WITH IMMUNE DYSREGULATION 1, AUTOSOMAL RECESSIVE; LARON SYNDROME DUE TO POSTRECEPTOR DEFECT. Identifiers: Orphanet 220465, MedGen C5435698, MONDO:0100211, OMIM 245590.

Submission:

Labcorp Genetics (formerly Invitae), Labcorp
Classification: Uncertain significance for Growth hormone insensitivity with immune dysregulation 1, autosomal recessive. Last evaluated: 2020-10-08. Review status: criteria provided, single submitter. Criteria: Invitae Variant Classification Sherloc (09022015). Collection method: clinical testing. Allele origin: germline.
Comment: This variant has not been reported in the literature in individuals with STAT5B-related conditions. This variant is not present in population databases (ExAC no frequency). This sequence change replaces arginine with serine at codon 118 of the STAT5B protein (p.Arg118Ser). The arginine residue is highly conserved and there is a moderate physicochemical difference between arginine and serine. Algorithms developed to predict the effect of missense changes on protein structure and function are either unavailable or do not agree on the potential impact of this missense change (SIFT: "Deleterious"; PolyPhen-2: "Probably Damaging"; Align-GVGD: "Class C15"). In summary, the available evidence is currently insufficient to determine the role of this variant in disease. Therefore, it has been classified as a Variant of Uncertain Significance.

NM_012448.4(STAT5B):c.354G>T (p.Arg118Ser)

Gene: STAT5B (signal transducer and activator of transcription 5B; minus strand). Cytogenetic location: 17q21.2.
Variant type: single nucleotide variant.
Coding change: c.354G>T on transcript NM_012448.4 (MANE Select); coding-DNA position 354, G replaced by T.
Protein change: p.Arg118Ser; replaces arginine 118 with serine.
Molecular consequence: missense variant.
Genome position (GRCh38, 1-based): chr17:42,224,800, C>A on the plus strand (G>T on the coding strand, the complement: STAT5B is on the minus strand). VCF-style: chr17-42224800-C-A. GRCh37 (hg19) VCF-style: chr17-40376818-C-A.
Other names: short protein forms R118S.
Identifiers: ClinVar variation 1006767 (VCV001006767.9), dbSNP rs2080259466, ClinGen allele CA399590722.